The following is an entry in ClinVar:

NM_004655.4(AXIN2):c.799G>A (p.Val267Ile)

Gene: AXIN2 (axin 2; minus strand). Cytogenetic location: 17q24.1.
Variant type: single nucleotide variant.
Coding change: c.799G>A on transcript NM_004655.4 (MANE Select); coding-DNA position 799, G replaced by A.
Protein change: p.Val267Ile; replaces valine 267 with isoleucine.
Molecular consequence: missense variant.
Genome position (GRCh38, 1-based): chr17:65,557,822, C>T on the plus strand (G>A on the coding strand, the complement: AXIN2 is on the minus strand). VCF-style: chr17-65557822-C-T. GRCh37 (hg19) VCF-style: chr17-63553940-C-T.
Other names: c.799G>A (LRG_296t1); c.799G>A, p.Val267Ile (NM_001363813.1); short protein forms V267I.
Identifiers: ClinVar variation 643959 (VCV000643959.14), dbSNP rs878854735, ClinGen allele CA400680229.

ClinVar aggregate classification (germline): Uncertain significance. Review status: criteria provided, multiple submitters, no conflicts (2 of 4 stars). 2 submissions from 2 submitters: Uncertain significance (2). Last evaluated 2024-05-18.

Conditions:
Hereditary cancer-predisposing syndrome. Also called: Neoplastic Syndromes, Hereditary; Tumor predisposition; Hereditary neoplastic syndrome; Hereditary Cancer Syndrome. Identifiers: Orphanet 140162, MedGen C0027672, MeSH D009386, MONDO:0015356.
Oligodontia-cancer predisposition syndrome. Also called: TOOTH AGENESIS-COLORECTAL CANCER SYNDROME. Identifiers: Orphanet 300576, MedGen C1837750, MONDO:0012075, OMIM 608615. Disease mechanism: loss of function.

Submissions (2):

Ambry Genetics
Classification: Uncertain significance for Hereditary cancer-predisposing syndrome. Last evaluated: 2024-05-18. Review status: criteria provided, single submitter. Criteria: Ambry Variant Classification Scheme 2023. Collection method: clinical testing. Allele origin: germline.
Comment: The p.V267I variant (also known as c.799G>A), located in coding exon 1 of the AXIN2 gene, results from a G to A substitution at nucleotide position 799. The valine at codon 267 is replaced by isoleucine, an amino acid with highly similar properties. This amino acid position is conserved. In addition, this alteration is predicted to be tolerated by in silico analysis. Since supporting evidence is limited at this time, the clinical significance of this alteration remains unclear.

Labcorp Genetics (formerly Invitae), Labcorp
Classification: Uncertain significance for Oligodontia-cancer predisposition syndrome. Last evaluated: 2024-05-14. Review status: criteria provided, single submitter. Criteria: Invitae Variant Classification Sherloc (09022015). Collection method: clinical testing. Allele origin: germline.
Comment: This sequence change replaces valine, which is neutral and non-polar, with isoleucine, which is neutral and non-polar, at codon 267 of the AXIN2 protein (p.Val267Ile). This variant is not present in population databases (gnomAD no frequency). This variant has not been reported in the literature in individuals affected with AXIN2-related conditions. ClinVar contains an entry for this variant (Variation ID: 643959). Advanced modeling of protein sequence and biophysical properties (such as structural, functional, and spatial information, amino acid conservation, physicochemical variation, residue mobility, and thermodynamic stability) performed at Invitae indicates that this missense variant is not expected to disrupt AXIN2 protein function with a negative predictive value of 80%. In summary, the available evidence is currently insufficient to determine the role of this variant in disease. Therefore, it has been classified as a Variant of Uncertain Significance.